The following is an entry in ClinVar:

NM_012414.4(RAB3GAP2):c.768G>T (p.Trp256Cys)

Gene: RAB3GAP2 (RAB3 GTPase activating non-catalytic protein subunit 2; minus strand). Cytogenetic location: 1q41.
Variant type: single nucleotide variant.
Coding change: c.768G>T on transcript NM_012414.4 (MANE Select); coding-DNA position 768, G replaced by T.
Protein change: p.Trp256Cys; replaces tryptophan 256 with cysteine.
Molecular consequence: missense variant.
Genome position (GRCh38, 1-based): chr1:220,202,319, C>A on the plus strand (G>T on the coding strand, the complement: RAB3GAP2 is on the minus strand). VCF-style: chr1-220202319-C-A. GRCh37 (hg19) VCF-style: chr1-220375661-C-A.
Other names: short protein forms W256C.
Identifiers: ClinVar variation 4782948 (VCV004782948.1).

ClinVar aggregate classification (germline): Uncertain significance (1 of 4 stars; one submission).

Conditions:
Warburg micro syndrome 2 (WARBM2). Also called: MICRO SYNDROME 2. Identifiers: Orphanet 2510, MedGen C3280214, MONDO:0013641, OMIM 614225.
Martsolf syndrome (MARTS). Also called: Congenital cataract with intellectual disability and hypogonadotropic hypogonadism syndrome. Identifiers: Orphanet 1387, MedGen C0796037, MONDO:0023910.

gnomAD v4.1: 2 of 1,613,734 alleles (0.00012%); highest among the groups gnomAD compares: Non-Finnish European, 0.00017%; no homozygotes.

Submission:

Labcorp Genetics (formerly Invitae), Labcorp
Classification: Uncertain significance for Martsolf syndrome; Warburg micro syndrome 2. Last evaluated: 2026-01-13. Review status: criteria provided, single submitter. Criteria: Invitae Variant Classification Sherloc (09022015). Collection method: clinical testing. Allele origin: germline.
Comment: This sequence change replaces tryptophan, which is neutral and slightly polar, with cysteine, which is neutral and slightly polar, at codon 256 of the RAB3GAP2 protein (p.Trp256Cys). This variant is not present in population databases (gnomAD no frequency). This variant has not been reported in the literature in individuals affected with RAB3GAP2-related conditions. Invitae Evidence Modeling of protein sequence and biophysical properties (such as structural, functional, and spatial information, amino acid conservation, physicochemical variation, residue mobility, and thermodynamic stability) indicates that this missense variant is expected to disrupt RAB3GAP2 protein function with a positive predictive value of 80%. In summary, the available evidence is currently insufficient to determine the role of this variant in disease. Therefore, it has been classified as a Variant of Uncertain Significance.